The following is an entry in ClinVar:

ClinVar aggregate classification (germline): Likely pathogenic. Review status: reviewed by expert panel (3 of 4 stars). 4 submissions from 4 submitters: Likely pathogenic (1). 3 of the submissions do not count toward it. Last evaluated 2022-12-20.

Conditions:
Glycogen storage disease, type II (IOPD). Also called: CARDIOMEGALIA GLYCOGENICA DIFFUSA; GLYCOGENOSIS, GENERALIZED, CARDIAC FORM; GSD II; Glycogen storage disease type 2; Acid maltase deficiency disease; Aglucosidase alfa. Identifiers: Orphanet 365, MedGen C0017921, MONDO:0009290, OMIM 232300.

Submissions (4):

ClinGen Lysosomal Storage Disorder Variant Curation Expert Panel
Classification: Likely pathogenic for Glycogen storage disease, type II. Last evaluated: 2022-12-20. Review status: reviewed by expert panel. Criteria: clingen_lsd_acmg_specifications_v2-1. Collection method: curation. Allele origin: germline. Inheritance: Autosomal recessive inheritance.
Comment: The NM_000152.5:c.2332-2A>G variant in GAA occurs within the canonical splice acceptor site of intron 16. While abolishment of this splice site could result in skipping of exon 17 and inframe deletion of 5.3% of the protein, no GAA cross-reactive immunological material was detected in peripheral blood mononuclear cells from a patient who is homozygous for the variant (Clinical Diagnostic Laboratory). Consistent with this finding, in silico splice site predictors SpliceAI and varSEAK both predict loss of the acceptor splice site and possible use of cryptic splice site 43 bp downstream in exon 17, which is predicted to result in nonsense-mediated decay (PVS1_Moderate). The variant is absent in gnomAD v2.1.1 (PM2_Supporting). In summary, this variant meets the criteria to be classified as likely pathogenic for Pompe disease. GAA-specific ACMG-AMP criteria applied, as specified by the ClinGen Lysosomal Storage Disorders VCEP (Specifications Version 2.0): PVS1_Moderate, PP4_Moderate, PM2_Supporting, PM3_Supporting. (Classification approved by the ClinGen LSD VCEP on December 20, 2022)

Natera, Inc.
Classification: Likely pathogenic for Glycogen storage disease type II. Last evaluated: 2025-03-10. Review status: criteria provided, single submitter. Criteria: Natera Variant Classification Schema (03/2026). Collection method: clinical testing. Allele origin: germline. Not counted in ClinVar's aggregate classification.
Comment: The c.2332-2A>G variant in GAA is a canonical splice acceptor site variant predicted to affect pre-mRNA splicing, which may result in an abnormal transcript and altered protein product. This variant is expected to result in nonsense mediated decay, truncation, or a dysfunctional protein product. This variant is rare in the general population with a frequency below the threshold expected for the associated phenotype(s). This variant has been observed in one or more individuals affected with the associated recessive disease, as either homozygous or compound heterozygous with a second variant (PMID: 37235686). Given the available evidence, this variant is classified as Likely Pathogenic.

GeneDx
Classification: Likely pathogenic. Last evaluated: 2023-11-21. Review status: criteria provided, single submitter. Criteria: GeneDx Variant Classification Process June 2021. Collection method: clinical testing. Allele origin: germline. Affected: yes. Not counted in ClinVar's aggregate classification.
Comment: Canonical splice site variant predicted to result in an in-frame deletion of exon 17; Not observed at significant frequency in large population cohorts (gnomAD); This variant is associated with the following publications: (PMID: 19343043, 22253258, Wu2021[article])

Labcorp Genetics (formerly Invitae), Labcorp
Classification: Likely pathogenic for Glycogen storage disease, type II. Last evaluated: 2023-03-09. Review status: criteria provided, single submitter. Criteria: Invitae Variant Classification Sherloc (09022015). Collection method: clinical testing. Allele origin: germline. Not counted in ClinVar's aggregate classification.
Comment: This sequence change affects an acceptor splice site in intron 16 of the GAA gene. It is expected to disrupt RNA splicing. Variants that disrupt the donor or acceptor splice site typically lead to a loss of protein function (PMID: 16199547), and loss-of-function variants in GAA are known to be pathogenic (PMID: 18425781, 22252923). This variant is not present in population databases (gnomAD no frequency). This variant has not been reported in the literature in individuals affected with GAA-related conditions. ClinVar contains an entry for this variant (Variation ID: 1308288). Algorithms developed to predict the effect of sequence changes on RNA splicing suggest that this variant may disrupt the consensus splice site. In summary, the currently available evidence indicates that the variant is pathogenic, but additional data are needed to prove that conclusively. Therefore, this variant has been classified as Likely Pathogenic.

Literature cited by the submitters: PubMed 37235686 (cited by Natera, Inc.); PubMed 16199547 (cited by Labcorp Genetics (formerly Invitae), Labcorp); PubMed 18425781 (cited by Labcorp Genetics (formerly Invitae), Labcorp); PubMed 22252923 (cited by Labcorp Genetics (formerly Invitae), Labcorp).

NM_000152.5(GAA):c.2332-2A>G

Gene: GAA (alpha glucosidase; plus strand). Cytogenetic location: 17q25.3.
Variant type: single nucleotide variant.
Coding change: c.2332-2A>G on transcript NM_000152.5 (MANE Select); the canonical splice acceptor site of the intron before coding-DNA position 2332, A replaced by G.
Molecular consequence: splice acceptor variant.
Genome position (GRCh38, 1-based): chr17:80,117,598, A>G. VCF-style: chr17-80117598-A-G. GRCh37 (hg19) VCF-style: chr17-78091397-A-G.
Other names: c.2332-2A>G (NM_000152.4, NM_001406741.1, NM_001406742.1 and 2 more transcripts).
Identifiers: ClinVar variation 1308288 (VCV001308288.11), dbSNP rs112098197, ClinGen allele CA401324961.
Genomic context (GRCh38, chr17:80,117,598, plus strand): 5'-CCTGAGGACAGCATGGGGGCCTCGGCACGGCCCAGAATCCTCAAAGCAACATCTCCCTCC[A>G]GGTGCCAGTAGAGGCCCTTGGCAGCCTCCCACCCCCACCTGCAGCTCCCCGTGAGCCAGC-3'